The following is an entry in ClinVar:

ClinVar aggregate classification (germline): Uncertain significance (1 of 4 stars; one submission).

Conditions:
Anauxetic dysplasia. Identifiers: Orphanet 93347, MedGen C1846796, MONDO:0011773.

Allele frequency attached by ClinVar (database versions not stated): TOPMed below 0.00001; ExAC 0.00013.
gnomAD v4.1: 11 of 692,808 alleles (0.0016%); highest among the groups gnomAD compares: Non-Finnish European, 0.00053%; no homozygotes.

Submission:

Labcorp Genetics (formerly Invitae), Labcorp
Classification: Uncertain significance for Anauxetic dysplasia. Last evaluated: 2025-12-28. Review status: criteria provided, single submitter. Criteria: Invitae Variant Classification Sherloc (09022015). Collection method: clinical testing. Allele origin: germline.
Comment: This variant occurs in the RMRP gene, which encodes an RNA molecule that does not result in a protein product. This variant is present in population databases (rs781079047, gnomAD 0.03%). This variant has not been reported in the literature in individuals affected with RMRP-related conditions. ClinVar contains an entry for this variant (Variation ID: 2186425). Experimental studies and prediction algorithms are not available or were not evaluated, and the functional significance of this variant is currently unknown. In summary, the available evidence is currently insufficient to determine the role of this variant in disease. Therefore, it has been classified as a Variant of Uncertain Significance.

NC_000009.12:g.35657766A>G

Gene: RMRP (RNA component of mitochondrial RNA processing endoribonuclease; minus strand). Cytogenetic location: 9p13.3.
Variant type: single nucleotide variant.
Genome position: GRCh38 VCF-style: chr9-35657766-A-G. GRCh37 (hg19) VCF-style: chr9-35657763-A-G.
Identifiers: ClinVar variation 2186425 (VCV002186425.2), dbSNP rs781079047, ClinGen allele CA5045815.
Genomic context (GRCh38, chr9:35,657,766, plus strand): 5'-CGGGGAGGTCGAGGCTGCAGTGAGCCGTGGTCTCGGGAACAAAAAACAGCCGCGCTGAGA[A>G]TGAGCCCCGTGTGGTTGGTGCGCGGACACGCACTGCCTGCGTAACTAGAGGGAGCTGACG-3'